The following is an entry in ClinVar:

ClinVar aggregate classification (germline): Uncertain significance. Review status: criteria provided, multiple submitters, no conflicts (2 of 4 stars). 2 submissions from 2 submitters: Uncertain significance (2). Last evaluated 2023-12-07.

Allele frequency attached by ClinVar (database versions not stated): gnomAD exomes below 0.00001.

Submissions (2):

Labcorp Genetics (formerly Invitae), Labcorp
Classification: Uncertain significance. Last evaluated: 2023-12-07. Review status: criteria provided, single submitter. Criteria: Invitae Variant Classification Sherloc (09022015). Collection method: clinical testing. Allele origin: germline.
Comment: This sequence change replaces arginine, which is basic and polar, with histidine, which is basic and polar, at codon 353 of the LETM1 protein (p.Arg353His). This variant is not present in population databases (gnomAD no frequency). This variant has not been reported in the literature in individuals affected with LETM1-related conditions. ClinVar contains an entry for this variant (Variation ID: 2029386). An algorithm developed to predict the effect of missense changes on protein structure and function (PolyPhen-2) suggests that this variant is likely to be disruptive. In summary, the available evidence is currently insufficient to determine the role of this variant in disease. Therefore, it has been classified as a Variant of Uncertain Significance.

Blueprint Genetics
Classification: Uncertain significance. Last evaluated: 2019-09-17. Review status: criteria provided, single submitter. Criteria: ACMG Guidelines, 2015. Collection method: clinical testing. Allele origin: germline.

NM_012318.3(LETM1):c.1058G>A (p.Arg353His)

Gene: LETM1 (leucine zipper and EF-hand containing transmembrane protein 1; minus strand). Cytogenetic location: 4p16.3.
Variant type: single nucleotide variant.
Coding change: c.1058G>A on transcript NM_012318.3 (MANE Select); coding-DNA position 1058, G replaced by A.
Protein change: p.Arg353His; replaces arginine 353 with histidine.
Molecular consequence: missense variant.
Genome position (GRCh38, 1-based): chr4:1,832,766, C>T on the plus strand (G>A on the coding strand, the complement: LETM1 is on the minus strand). VCF-style: chr4-1832766-C-T. GRCh37 (hg19) VCF-style: chr4-1834493-C-T.
Other names: short protein forms R353H.
Identifiers: ClinVar variation 2029386 (VCV002029386.5), dbSNP rs2546869694, ClinGen allele CA356003475.